The following is an entry in ClinVar:

ClinVar aggregate classification (germline): Benign/Likely benign. Review status: criteria provided, multiple submitters, no conflicts (2 of 4 stars). 3 submissions from 3 submitters: Benign (1); Likely benign (2). Last evaluated 2025-02-04.

Conditions:
Hereditary cancer-predisposing syndrome. Also called: Hereditary neoplastic syndrome; Neoplastic Syndromes, Hereditary; Tumor predisposition; Hereditary Cancer Syndrome. Identifiers: Orphanet 140162, MedGen C0027672, MeSH D009386, MONDO:0015356.
Lynch syndrome 4 (LYNCH4). Also called: Hereditary non-polyposis colorectal cancer, type 4; Colorectal cancer, hereditary nonpolyposis, type 4. Identifiers: Orphanet 144, MedGen C1838333, MONDO:0013699, OMIM 614337. Disease mechanism: loss of function.
Hereditary nonpolyposis colorectal neoplasms. Identifiers: MedGen C0009405, MeSH D003123.

Submissions (3):

Myriad Genetics, Inc.
Classification: Benign for Lynch syndrome 4. Last evaluated: 2025-02-04. Review status: criteria provided, single submitter. Criteria: Myriad Autosomal Dominant, Autosomal Recessive and X-Linked Classification Criteria (2023). Collection method: clinical testing. Allele origin: unknown.
Comment: This variant is considered benign. This variant is a silent/synonymous amino acid change and it is not expected to impact splicing.

Labcorp Genetics (formerly Invitae), Labcorp
Classification: Likely benign for Hereditary nonpolyposis colorectal neoplasms. Last evaluated: 2024-08-08. Review status: criteria provided, single submitter. Criteria: Invitae Variant Classification Sherloc (09022015). Collection method: clinical testing. Allele origin: germline.

Ambry Genetics
Classification: Likely benign for Hereditary cancer-predisposing syndrome. Last evaluated: 2020-06-19. Review status: criteria provided, single submitter. Criteria: Ambry Variant Classification Scheme 2023. Collection method: clinical testing. Allele origin: germline.

NM_000535.7(PMS2):c.2301G>C (p.Leu767=)

Gene: PMS2 (PMS1 homolog 2, mismatch repair system component; minus strand). Cytogenetic location: 7p22.1.
Variant type: single nucleotide variant.
Coding change: c.2301G>C on transcript NM_000535.7 (MANE Select); coding-DNA position 2301, G replaced by C.
Protein change: p.Leu767=; no amino-acid change (leucine 767 retained).
Molecular consequence: synonymous variant.
Genome position (GRCh38, 1-based): chr7:5,977,732, C>G on the plus strand (G>C on the coding strand, the complement: PMS2 is on the minus strand). VCF-style: chr7-5977732-C-G. GRCh37 (hg19) VCF-style: chr7-6017363-C-G.
Other names: c.1896G>C, p.Leu632= (NM_001322003.2, NM_001322004.2, NM_001322005.2); c.2145G>C, p.Leu715= (NM_001322006.2); c.1983G>C, p.Leu661= (NM_001322007.2, NM_001322008.2); c.1929G>C, p.Leu643= (NM_001322009.2); c.1740G>C, p.Leu580= (NM_001322010.2); c.1368G>C, p.Leu456= (NM_001322011.2, NM_001322012.2); c.1728G>C, p.Leu576= (NM_001322013.2); c.2334G>C, p.Leu778= (NM_001322014.2); and 1 more.
Identifiers: ClinVar variation 1145911 (VCV001145911.13), dbSNP rs1554293987, ClinGen allele CA453642473.